The following is an entry in ClinVar:

ClinVar aggregate classification (germline): Likely benign (0 of 4 stars; one submission).

Conditions:
TIAM1-related disorder. Also called: TIAM1-related condition.

Allele frequency attached by ClinVar (database versions not stated): TOPMed below 0.00001; gnomAD 0.00003; ExAC 0.00017.
gnomAD v4.1: 108 of 1,613,124 alleles (0.0067%); highest among the groups gnomAD compares: South Asian, 0.1%; no homozygotes.

Submission:

PreventionGenetics, part of Exact Sciences
Classification: Likely benign for TIAM1-related condition. Last evaluated: 2019-12-30. Review status: no assertion criteria provided. Collection method: clinical testing. Allele origin: germline.
Comment: This variant is classified as likely benign based on ACMG/AMP sequence variant interpretation guidelines (Richards et al. 2015 PMID: 25741868, with internal and published modifications).

NM_001353694.2(TIAM1):c.4290G>A (p.Pro1430=)

Gene: TIAM1 (TIAM Rac1 associated GEF 1; minus strand). Cytogenetic location: 21q22.11.
Variant type: single nucleotide variant.
Coding change: c.4290G>A on transcript NM_001353694.2 (MANE Select); coding-DNA position 4290, G replaced by A.
Protein change: p.Pro1430=; no amino-acid change (proline 1430 retained).
Molecular consequence: synonymous variant.
Genome position (GRCh38, 1-based): chr21:31,124,538, C>T on the plus strand (G>A on the coding strand, the complement: TIAM1 is on the minus strand). VCF-style: chr21-31124538-C-T. GRCh37 (hg19) VCF-style: chr21-32496856-C-T.
Other names: c.1389G>A, p.Pro463= (NM_001353684.2); c.1314G>A, p.Pro438= (NM_001353685.2); c.4215G>A, p.Pro1405= (NM_001353686.2, NM_001353687.2); c.4290G>A, p.Pro1430= (NM_001353688.1, NM_001353689.1, NM_001353690.1 and 4 more transcripts).
Identifiers: ClinVar variation 3043000 (VCV003043000.2), dbSNP rs777769390, ClinGen allele CA9997538.